The following is an entry in ClinVar:

ClinVar aggregate classification (germline): Pathogenic (1 of 4 stars; one submission).

Allele frequency attached by ClinVar (database versions not stated): gnomAD exomes below 0.00001.
gnomAD v4.1: 1 of 1,614,178 alleles (0.000062%); highest among the groups gnomAD compares: Non-Finnish European, 0.000085%; no homozygotes.

Submission:

Labcorp Genetics (formerly Invitae), Labcorp
Classification: Pathogenic. Last evaluated: 2023-06-05. Review status: criteria provided, single submitter. Criteria: Invitae Variant Classification Sherloc (09022015). Collection method: clinical testing. Allele origin: germline.
Comment: For these reasons, this variant has been classified as Pathogenic. This variant disrupts a region of the HSD17B3 protein in which other variant(s) (p.Trp284*) have been determined to be pathogenic (PMID: 28847746). This suggests that this is a clinically significant region of the protein, and that variants that disrupt it are likely to be disease-causing. Variants that disrupt the consensus splice site are a relatively common cause of aberrant splicing (PMID: 17576681, 9536098). Algorithms developed to predict the effect of sequence changes on RNA splicing suggest that this variant may disrupt the consensus splice site. This variant has not been reported in the literature in individuals affected with HSD17B3-related conditions. This variant is not present in population databases (gnomAD no frequency). This sequence change affects a donor splice site in intron 10 of the HSD17B3 gene. While this variant is not anticipated to result in nonsense mediated decay, it likely alters RNA splicing and results in a disrupted protein product.

Literature cited by the submitters: PubMed 28847746; PubMed 17576681; PubMed 9536098.

NM_000197.2(HSD17B3):c.822+1G>A

Genes: HSD17B3 (hydroxysteroid 17-beta dehydrogenase 3; minus strand), SLC35D2-HSD17B3 (SLC35D2-HSD17B3 readthrough; minus strand). Cytogenetic location: 9q22.32.
Variant type: single nucleotide variant.
Coding change: c.822+1G>A on transcript NM_000197.2 (MANE Select); the canonical splice donor site of the intron after coding-DNA position 822, G replaced by A.
Molecular consequence: splice donor variant.
Genome position (GRCh38, 1-based): chr9:96,240,757, C>T on the plus strand (G>A on the coding strand, the complement: HSD17B3 is on the minus strand). VCF-style: chr9-96240757-C-T. GRCh37 (hg19) VCF-style: chr9-99003039-C-T.
Identifiers: ClinVar variation 2799296 (VCV002799296.3), dbSNP rs2490055114, ClinGen allele CA374123068.